The following is an entry in ClinVar:

NM_004415.4(DSP):c.1817G>A (p.Arg606Gln)

Gene: DSP (desmoplakin; plus strand). Cytogenetic location: 6p24.3.
Variant type: single nucleotide variant.
Coding change: c.1817G>A on transcript NM_004415.4 (MANE Select); coding-DNA position 1817, G replaced by A.
Protein change: p.Arg606Gln; replaces arginine 606 with glutamine.
Molecular consequence: missense variant.
Genome position (GRCh38, 1-based): chr6:7,571,498, G>A. VCF-style: chr6-7571498-G-A. GRCh37 (hg19) VCF-style: chr6-7571731-G-A.
Other names: c.1817G>A (LRG_423t1); c.1817G>A, p.Arg606Gln (NM_001008844.3, NM_001319034.2); short protein forms R606Q.
Identifiers: ClinVar variation 629646 (VCV000629646.15), dbSNP rs576661499, ClinGen allele CA030133.
Genomic context (GRCh38, chr6:7,571,498, plus strand): 5'-ATTACCAAGAGTTCATCAGAAATAGCCAAGGCTCAGAGATGTTTGGAGATGATGACAAGC[G>A]GAAAATACAGTCTCAGTTCACCGATGCCCAGAAGCATTACCAGACCCTGGTCATTCAGCT-3'
Protein context (NP_004406.2, residues 596-616): GSEMFGDDDK[Arg606Gln]KIQSQFTDAQ

ClinVar aggregate classification (germline): Conflicting classifications of pathogenicity. Review status: criteria provided, conflicting classifications (1 of 4 stars). 4 submissions from 4 submitters: Uncertain significance (3); Likely benign (1). Last evaluated 2025-03-20.

Conditions:
Arrhythmogenic cardiomyopathy with wooly hair and keratoderma. Also called: PALMOPLANTAR KERATODERMA WITH LEFT VENTRICULAR CARDIOMYOPATHY AND WOOLLY HAIR; Carvajal syndrome; Dilated cardiomyopathy with woolly hair and keratoderma; Arrhythmogenic cardiomyopathy with woolly hair and keratoderma. Identifiers: Orphanet 65282, MedGen C1854063, MONDO:0011581, OMIM 605676.
Arrhythmogenic right ventricular dysplasia 8 (ARVD8). Also called: ARRHYTHMOGENIC RIGHT VENTRICULAR DYSPLASIA, FAMILIAL, 8; ARRHYTHMOGENIC RIGHT VENTRICULAR CARDIOMYOPATHY 8; Arrhythmogenic Right Ventricular Dysplasia/Cardiomyopathy 8. Identifiers: MedGen C1843896, MONDO:0011831, OMIM 607450.
Cardiomyopathy (CMYO). Also called: Cardiomyopathies. Identifiers: Orphanet 167848, MedGen C0878544, MONDO:0004994, HP:0001638. Inheritance: Various modes of inheritance.

Allele frequency attached by ClinVar (database versions not stated): gnomAD below 0.00001 and 0.00003; TOPMed 0.00001; gnomAD exomes 0.00002 and 0.00003; ExAC 0.00003; 1000 Genomes Project 30x 0.00016; 1000 Genomes Project 0.00020.

Submissions (4):

Labcorp Genetics (formerly Invitae), Labcorp
Classification: Likely benign for Arrhythmogenic cardiomyopathy with wooly hair and keratoderma; Arrhythmogenic right ventricular dysplasia 8. Last evaluated: 2025-03-20. Review status: criteria provided, single submitter. Criteria: Invitae Variant Classification Sherloc (09022015). Collection method: clinical testing. Allele origin: germline.

All of Us Research Program, National Institutes of Health
Classification: Uncertain significance for Arrhythmogenic cardiomyopathy with wooly hair and keratoderma. Last evaluated: 2024-07-29. Review status: criteria provided, single submitter. Criteria: ACMG Guidelines, 2015. Collection method: clinical testing. Allele origin: germline. Inheritance: Autosomal dominant inheritance. Observed: 5 variant alleles, 5 heterozygotes.
Comment: This missense variant replaces arginine with glutamine at codon 606 of the DSP protein. Computational prediction suggests that this variant may not impact protein structure and function (internally defined REVEL score threshold <= 0.5, PMID: 27666373). To our knowledge, functional studies have not been reported for this variant. This variant has not been reported in individuals affected with DSP-related disorders in the literature. This variant has been identified in 4/251266 chromosomes in the general population by the Genome Aggregation Database (gnomAD). The available evidence is insufficient to determine the role of this variant in disease conclusively. Therefore, this variant is classified as a Variant of Uncertain Significance.

This study involves interpretation of variants in research participants for the purpose of population health screening. Participant phenotype was not available at the time of variant classification. Additional details can be found in publication PMID: 35346344, PMCID: PMC8962531

Color Diagnostics, LLC DBA Color Health
Classification: Uncertain significance for Cardiomyopathy. Last evaluated: 2024-03-04. Review status: criteria provided, single submitter. Criteria: ACMG Guidelines, 2015. Collection method: clinical testing. Allele origin: germline.
Comment: This missense variant replaces arginine with glutamine at codon 606 of the DSP protein. Computational prediction suggests that this variant may not impact protein structure and function. To our knowledge, functional studies have not been reported for this variant. This variant has not been reported in individuals affected with DSP-related disorders in the literature. This variant has been identified in 4/251266 chromosomes in the general population by the Genome Aggregation Database (gnomAD). The available evidence is insufficient to determine the role of this variant in disease conclusively. Therefore, this variant is classified as a Variant of Uncertain Significance.

Revvity Omics, Revvity
Classification: Uncertain significance. Last evaluated: 2019-04-27. Review status: criteria provided, single submitter. Criteria: ACMG Guidelines, 2015. Collection method: clinical testing. Allele origin: germline.